The following is an entry in ClinVar:

NM_017802.4(DNAAF5):c.2522G>A (p.Cys841Tyr)

Gene: DNAAF5 (dynein axonemal assembly factor 5; plus strand). Cytogenetic location: 7p22.3.
Variant type: single nucleotide variant.
Coding change: c.2522G>A on transcript NM_017802.4 (MANE Select); coding-DNA position 2522, G replaced by A.
Protein change: p.Cys841Tyr; replaces cysteine 841 with tyrosine.
Molecular consequence: missense variant. On other transcripts: non-coding transcript variant (1).
Genome position (GRCh38, 1-based): chr7:785,607, G>A. VCF-style: chr7-785607-G-A. GRCh37 (hg19) VCF-style: chr7-825244-G-A.
Other names: short protein forms C841Y.
Identifiers: ClinVar variation 1792562 (VCV001792562.2), dbSNP rs1779121047, ClinGen allele CA366528530.
Genomic context (GRCh38, chr7:785,607, plus strand): 5'-CAGATCTCCTGGTGAGGGAGACGGAGGCCGTCATCCACAAGCACCGCTCGGCCACCTACT[G>A]CGAGCAGCTCCTGCAGCATGTGCAGGCCGTGCCAGCCACACAGTGACCACGCTGGTTTCA-3'
Protein context (NP_060272.3, residues 831-851): VIHKHRSATY[Cys841Tyr]EQLLQHVQAV

ClinVar aggregate classification (germline): Uncertain significance (1 of 4 stars; one submission).

Conditions:
Primary ciliary dyskinesia. Also called: Ciliary dyskinesia. Identifiers: Orphanet 244, MedGen C0008780, MONDO:0016575, HP:0012265.

Allele frequency attached by ClinVar (database versions not stated): gnomAD 0.00001; TOPMed 0.00001.
gnomAD v4.1: 1 of 1,613,070 alleles (0.000062%); highest among the groups gnomAD compares: African/African-American, 0.0013%; no homozygotes.

Submission:

Ambry Genetics
Classification: Uncertain significance for Primary ciliary dyskinesia. Last evaluated: 2022-06-22. Review status: criteria provided, single submitter. Criteria: Ambry Variant Classification Scheme 2023. Collection method: clinical testing. Allele origin: germline.
Comment: The p.C841Y variant (also known as c.2522G>A), located in coding exon 13 of the DNAAF5 gene, results from a G to A substitution at nucleotide position 2522. The cysteine at codon 841 is replaced by tyrosine, an amino acid with highly dissimilar properties. This amino acid position is conserved. In addition, the in silico prediction for this alteration is inconclusive. Since supporting evidence is limited at this time, the clinical significance of this alteration remains unclear.